The following is an entry in ClinVar:

NM_004973.4(JARID2):c.3129C>T (p.Thr1043=)

Gene: JARID2 (jumonji and AT-rich interaction domain containing 2; plus strand). Cytogenetic location: 6p22.3.
Variant type: single nucleotide variant.
Coding change: c.3129C>T on transcript NM_004973.4 (MANE Select); coding-DNA position 3129, C replaced by T.
Protein change: p.Thr1043=; no amino-acid change (threonine 1043 retained).
Molecular consequence: synonymous variant.
Genome position (GRCh38, 1-based): chr6:15,512,384, C>T. VCF-style: chr6-15512384-C-T. GRCh37 (hg19) VCF-style: chr6-15512615-C-T.
Other names: c.2613C>T, p.Thr871= (NM_001267040.1).
Identifiers: ClinVar variation 3050251 (VCV003050251.2), dbSNP rs143186334, ClinGen allele CA3643355.
Genomic context (GRCh38, chr6:15,512,384, plus strand): 5'-CAGCGTGTCTGAAACCGTGCACTTTGCTACCACCCAGTGGACAAGTATGGGCTTTGAGAC[C>T]GCCAAGGTGAGCAGAGCCGGCCTCCTCCCGCTTGCTGCCCCCGCATCCCTGTGAGTGCCG-3'
Protein context (NP_004964.2, residues 1033-1053): TTQWTSMGFE[Thr1043=]AKEMKRRHIA

ClinVar aggregate classification (germline): Likely benign (0 of 4 stars; one submission).

Conditions:
JARID2-related disorder. Also called: JARID2-related condition.

Allele frequency attached by ClinVar (database versions not stated): ExAC 0.00004; gnomAD exomes 0.00004; gnomAD 0.00018; TOPMed 0.00020; ESP Exome Variant Server 0.00023.
gnomAD v4.1: 78 of 1,613,782 alleles (0.0048%); highest among the groups gnomAD compares: African/African-American, 0.049%; no homozygotes.

Submission:

PreventionGenetics, part of Exact Sciences
Classification: Likely benign for JARID2-related condition. Last evaluated: 2019-07-12. Review status: no assertion criteria provided. Collection method: clinical testing. Allele origin: germline.
Comment: This variant is classified as likely benign based on ACMG/AMP sequence variant interpretation guidelines (Richards et al. 2015 PMID: 25741868, with internal and published modifications).